The following is an entry in ClinVar:

ClinVar aggregate classification (germline): Uncertain significance (0 of 4 stars; one submission).

Conditions:
CTRC-related disorder. Also called: CTRC-related condition.

Submission:

PreventionGenetics, part of Exact Sciences
Classification: Uncertain significance for CTRC-related condition. Last evaluated: 2024-07-04. Review status: no assertion criteria provided. Collection method: clinical testing. Allele origin: germline.
Comment: The CTRC c.29T>A variant is predicted to result in the amino acid substitution p.Leu10His. To our knowledge, this variant has not been reported in the literature or in a large population database, indicating this variant is rare. At this time, the clinical significance of this variant is uncertain due to the absence of conclusive functional and genetic evidence.

NM_007272.3(CTRC):c.29T>A (p.Leu10His)

Gene: CTRC (chymotrypsin C; plus strand). Cytogenetic location: 1p36.21.
Variant type: single nucleotide variant.
Coding change: c.29T>A on transcript NM_007272.3 (MANE Select); coding-DNA position 29, T replaced by A.
Protein change: p.Leu10His; replaces leucine 10 with histidine.
Molecular consequence: missense variant.
Genome position (GRCh38, 1-based): chr1:15,438,493, T>A. VCF-style: chr1-15438493-T-A. GRCh37 (hg19) VCF-style: chr1-15764989-T-A.
Other names: short protein forms L10H.
Identifiers: ClinVar variation 3346737 (VCV003346737.1).